The following is an entry in ClinVar:

ClinVar aggregate classification (germline): Conflicting classifications of pathogenicity. Review status: criteria provided, conflicting classifications (1 of 4 stars). 2 submissions from 2 submitters: Uncertain significance (1); Likely benign (1). Last evaluated 2026-06-23.

Conditions:
Developmental and epileptic encephalopathy 94 (DEE94). Also called: Epileptic encephalopathy, childhood-onset; CHD2-Related Neurodevelopmental Disorders. Identifiers: Orphanet 1942, Orphanet 2382, MedGen C3809278, MONDO:0014150, OMIM 615369.
Inborn genetic diseases. Identifiers: MedGen C0950123, MeSH D030342.

Allele frequency attached by ClinVar (database versions not stated): gnomAD exomes 0.00001.
gnomAD v4.1: 3 of 1,610,658 alleles (0.00019%); highest among the groups gnomAD compares: East Asian, 0.0022%; no homozygotes.

Submissions (2):

Ambry Genetics
Classification: Likely benign for Inborn genetic diseases. Last evaluated: 2026-06-23. Review status: criteria provided, single submitter. Criteria: Ambry Variant Classification Scheme 2023. Collection method: clinical testing. Allele origin: germline.

Labcorp Genetics (formerly Invitae), Labcorp
Classification: Uncertain significance for Developmental and epileptic encephalopathy 94. Last evaluated: 2021-05-14. Review status: criteria provided, single submitter. Criteria: Invitae Variant Classification Sherloc (09022015). Collection method: clinical testing. Allele origin: germline.
Comment: In summary, the available evidence is currently insufficient to determine the role of this variant in disease. Therefore, it has been classified as a Variant of Uncertain Significance. Algorithms developed to predict the effect of sequence changes on RNA splicing suggest that this variant is not likely to affect RNA splicing, but this prediction has not been confirmed by published transcriptional studies. This variant has not been reported in the literature in individuals with CHD2-related conditions. This variant is not present in population databases (ExAC no frequency). This sequence change affects codon 1718 of the CHD2 mRNA. It is a 'silent' change, meaning that it does not change the encoded amino acid sequence of the CHD2 protein. It affects a nucleotide within the consensus splice site of the intron.

NM_001271.4(CHD2):c.5154G>A (p.Arg1718=)

Gene: CHD2 (chromodomain helicase DNA binding protein 2; plus strand). Cytogenetic location: 15q26.1.
Variant type: single nucleotide variant.
Coding change: c.5154G>A on transcript NM_001271.4 (MANE Select); coding-DNA position 5154, G replaced by A.
Protein change: p.Arg1718=; no amino-acid change (arginine 1718 retained).
Molecular consequence: synonymous variant.
Genome position (GRCh38, 1-based): chr15:93,024,372, G>A. VCF-style: chr15-93024372-G-A. GRCh37 (hg19) VCF-style: chr15-93567602-G-A.
Other names: c.5154G>A (NM_001271.3).
Identifiers: ClinVar variation 1465043 (VCV001465043.9), dbSNP rs768370702, ClinGen allele CA274889567.
Genomic context (GRCh38, chr15:93,024,372, plus strand): 5'-AGAGAAGTGGATGGGAATCTGGCTTCAGTCTTTCGACTAATCCTTGCATCTCTATTTCAG[G>A]CACCATCATGACTCCAAGCGGAGGAGATCCGATGAATTTAGGCCTCAAAATTACCACCAG-3'
Protein context (NP_001262.3, residues 1708-1728): DHRGHRDYYD[Arg1718=]HHHDSKRRRS